The following is an entry in ClinVar:

NM_003465.3(CHIT1):c.1325C>T (p.Ala442Val)

Gene: CHIT1 (chitinase 1; minus strand). Cytogenetic location: 1q32.1.
Variant type: single nucleotide variant.
Coding change: c.1325C>T on transcript NM_003465.3 (MANE Select); coding-DNA position 1325, C replaced by T.
Protein change: p.Ala442Val; replaces alanine 442 with valine.
Molecular consequence: missense variant. On other transcripts: non-coding transcript variant (2).
Genome position (GRCh38, 1-based): chr1:203,216,965, G>A on the plus strand (C>T on the coding strand, the complement: CHIT1 is on the minus strand). VCF-style: chr1-203216965-G-A. GRCh37 (hg19) VCF-style: chr1-203186093-G-A.
Other names: c.1268C>T, p.Ala423Val (NM_001256125.2); short protein forms A442V, A423V.
Identifiers: ClinVar variation 472286 (VCV000472286.15), dbSNP rs1065761, ClinGen allele CA1339581.

ClinVar aggregate classification (germline): Conflicting classifications of pathogenicity. Review status: criteria provided, conflicting classifications (1 of 4 stars). 3 submissions from 3 submitters: Uncertain significance (1); Benign (1). 1 of the submissions does not count toward it. Last evaluated 2019-11-18.

Conditions:
Chitotriosidase deficiency (CHITD). Identifiers: MedGen C3279902, OMIM 614122, MONDO:0013586.

Allele frequency attached by ClinVar (database versions not stated): 1000 Genomes Project 0.02496; 1000 Genomes Project 30x 0.02577.
gnomAD v4.1: 7,025 of 1,614,138 alleles (0.44%); highest among the groups gnomAD compares: African/African-American, 8.1%; 242 homozygotes.

Submissions (3):

Labcorp Genetics (formerly Invitae), Labcorp
Classification: Benign for Chitotriosidase deficiency. Last evaluated: 2019-11-18. Review status: criteria provided, single submitter. Criteria: Invitae Variant Classification Sherloc (09022015). Collection method: clinical testing. Allele origin: germline.

Illumina Laboratory Services, Illumina
Classification: Uncertain significance for Chitotriosidase deficiency. Last evaluated: 2017-04-27. Review status: criteria provided, single submitter. Criteria: ICSL Variant Classification Criteria 13 December 2019. Collection method: clinical testing. Allele origin: germline.
Comment: This variant was observed as part of a predisposition screen in an ostensibly healthy population. A literature search was performed for the gene, cDNA change, and amino acid change (where applicable). Publications were found based on this search. However, the evidence from the literature, in combination with allele frequency data from public databases where available, was not sufficient to rule this variant in or out of causing disease. Therefore, this variant is classified as a variant of unknown significance.

Mayo Clinic Laboratories, Mayo Clinic
Classification: Uncertain significance. Last evaluated: 2015-12-16. Review status: no assertion criteria provided. Collection method: clinical testing. Allele origin: unknown. Not counted in ClinVar's aggregate classification.

Literature cited by the submitters: PubMed 17693102 (cited by Illumina Laboratory Services, Illumina); PubMed 23430794 (cited by Illumina Laboratory Services, Illumina).